The following is an entry in ClinVar:

ClinVar aggregate classification (germline): Benign/Likely benign. Review status: criteria provided, multiple submitters, no conflicts (2 of 4 stars). 3 submissions from 3 submitters: Benign (1); Likely benign (1). 1 of the submissions does not count toward it. Last evaluated 2025-09-10.

Conditions:
ATP13A3-related disorder. Also called: ATP13A3-related condition.

Allele frequency attached by ClinVar (database versions not stated): 1000 Genomes Project 30x 0.00125; ExAC 0.00152; gnomAD 0.00040; gnomAD exomes 0.00070; ESP Exome Variant Server 0.00008; TOPMed 0.00010; 1000 Genomes Project 0.00120.
gnomAD v4.1: 1,081 of 1,614,004 alleles (0.067%); highest among the groups gnomAD compares: South Asian, 1%; 16 homozygotes.

Submissions (3):

Labcorp Genetics (formerly Invitae), Labcorp
Classification: Benign. Last evaluated: 2025-09-10. Review status: criteria provided, single submitter. Criteria: Invitae Variant Classification Sherloc (09022015). Collection method: clinical testing. Allele origin: germline.

Ambry Genetics
Classification: Likely benign. Last evaluated: 2025-08-25. Review status: criteria provided, single submitter. Criteria: Ambry Variant Classification Scheme 2023. Collection method: clinical testing. Allele origin: germline.

PreventionGenetics, part of Exact Sciences
Classification: Benign for ATP13A3-related condition. Last evaluated: 2019-02-21. Review status: no assertion criteria provided. Collection method: clinical testing. Allele origin: germline. Not counted in ClinVar's aggregate classification.
Comment: This variant is classified as benign based on ACMG/AMP sequence variant interpretation guidelines (Richards et al. 2015 PMID: 25741868, with internal and published modifications).

NM_001367549.1(ATP13A3):c.70T>G (p.Leu24Val)

Gene: ATP13A3 (ATPase 13A3; minus strand). Cytogenetic location: 3q29.
Variant type: single nucleotide variant.
Coding change: c.70T>G on transcript NM_001367549.1 (MANE Select); coding-DNA position 70, T replaced by G.
Protein change: p.Leu24Val; replaces leucine 24 with valine.
Molecular consequence: missense variant. On other transcripts: non-coding transcript variant (2).
Genome position (GRCh38, 1-based): chr3:194,460,813, A>C on the plus strand (T>G on the coding strand, the complement: ATP13A3 is on the minus strand). VCF-style: chr3-194460813-A-C. GRCh37 (hg19) VCF-style: chr3-194181542-A-C.
Other names: c.70T>G, p.Leu24Val (NM_001374836.1, NM_024524.4); c.70T>G (NM_024524.3); short protein forms L24V.
Identifiers: ClinVar variation 2858952 (VCV002858952.6), dbSNP rs181805829, ClinGen allele CA2762361.